The following is an entry in ClinVar:

ClinVar aggregate classification (germline): Uncertain significance. Review status: criteria provided, multiple submitters, no conflicts (2 of 4 stars). 2 submissions from 2 submitters: Uncertain significance (2). Last evaluated 2026-02-19.

Conditions:
Hereditary breast ovarian cancer syndrome. Also called: Hereditary breast and/or ovarian cancer syndrome; Hereditary breast and ovarian cancer syndrome (HBOC); Hereditary breast and ovarian cancer; BRCA1- and BRCA2-Associated Hereditary Breast and Ovarian Cancer; Hereditary breast and ovarian cancer syndrome; Breast and ovarian cancer. Identifiers: Orphanet 145, MedGen C0677776, MeSH D061325, MONDO:0003582. Disease mechanism: loss of function.
Hereditary cancer-predisposing syndrome. Also called: Neoplastic Syndromes, Hereditary; Hereditary neoplastic syndrome; Tumor predisposition; Hereditary Cancer Syndrome. Identifiers: Orphanet 140162, MedGen C0027672, MeSH D009386, MONDO:0015356.

Submissions (2):

Ambry Genetics
Classification: Uncertain significance for Hereditary cancer-predisposing syndrome. Last evaluated: 2026-02-19. Review status: criteria provided, single submitter. Criteria: Ambry Variant Classification Scheme 2023. Collection method: clinical testing. Allele origin: germline.
Comment: The p.D362A variant (also known as c.1085A>C), located in coding exon 9 of the BRCA2 gene, results from an A to C substitution at nucleotide position 1085. The aspartic acid at codon 362 is replaced by alanine, an amino acid with dissimilar properties. This amino acid position is not well conserved in available vertebrate species. In addition, this alteration is predicted to be tolerated by in silico analysis. Based on the available evidence, the clinical significance of this variant remains unclear.

Labcorp Genetics (formerly Invitae), Labcorp
Classification: Uncertain significance for Hereditary breast ovarian cancer syndrome. Last evaluated: 2025-04-08. Review status: criteria provided, single submitter. Criteria: Invitae Variant Classification Sherloc (09022015). Collection method: clinical testing. Allele origin: germline.
Comment: This sequence change replaces aspartic acid, which is acidic and polar, with alanine, which is neutral and non-polar, at codon 362 of the BRCA2 protein (p.Asp362Ala). This variant is not present in population databases (gnomAD no frequency). This variant has not been reported in the literature in individuals affected with BRCA2-related conditions. Invitae Evidence Modeling of protein sequence and biophysical properties (such as structural, functional, and spatial information, amino acid conservation, physicochemical variation, residue mobility, and thermodynamic stability) indicates that this missense variant is not expected to disrupt BRCA2 protein function with a negative predictive value of 95%. In summary, the available evidence is currently insufficient to determine the role of this variant in disease. Therefore, it has been classified as a Variant of Uncertain Significance.

NM_000059.4(BRCA2):c.1085A>C (p.Asp362Ala)

Gene: BRCA2 (BRCA2 DNA repair associated; plus strand). Cytogenetic location: 13q13.1.
Variant type: single nucleotide variant.
Coding change: c.1085A>C on transcript NM_000059.4 (MANE Select); coding-DNA position 1085, A replaced by C.
Protein change: p.Asp362Ala; replaces aspartic acid 362 with alanine.
Molecular consequence: missense variant. On other transcripts: non-coding transcript variant (1), intron variant (1).
Genome position (GRCh38, 1-based): chr13:32,332,563, A>C. VCF-style: chr13-32332563-A-C. GRCh37 (hg19) VCF-style: chr13-32906700-A-C.
Other names: c.1085A>C, p.Asp362Ala (NM_001432077.1, NM_001406719.1, NM_001406720.1 and 1 more transcripts); c.424+1533A>C (NM_001406722.1); short protein forms D362A.
Identifiers: ClinVar variation 4797904 (VCV004797904.2).